The following is an entry in ClinVar:

NM_001015877.2(PHF6):c.39A>G (p.Arg13=)

Gene: PHF6 (PHD finger protein 6; plus strand). Cytogenetic location: Xq26.2.
Variant type: single nucleotide variant.
Coding change: c.39A>G on transcript NM_001015877.2 (MANE Select); coding-DNA position 39, A replaced by G.
Protein change: p.Arg13=; no amino-acid change (arginine 13 retained).
Molecular consequence: synonymous variant.
Genome position (GRCh38, 1-based): chrX:134,377,656, A>G. VCF-style: chrX-134377656-A-G. GRCh37 (hg19) VCF-style: chrX-133511686-A-G.
Other names: c.39A>G, p.Arg13= (NM_032335.3, NM_032458.3).
Identifiers: ClinVar variation 3044070 (VCV003044070.2), dbSNP rs1259223307, ClinGen allele CA518648212.

ClinVar aggregate classification (germline): Likely benign (0 of 4 stars; one submission).

Conditions:
PHF6-related disorder. Also called: PHF6-related condition.

Allele frequency attached by ClinVar (database versions not stated): gnomAD exomes 0.00002; gnomAD 0.00003; TOPMed 0.00003.
gnomAD v4.1: 22 of 1,209,306 alleles (0.0018%); highest among the groups gnomAD compares: Non-Finnish European, 0.0025%; no homozygotes.

Submission:

PreventionGenetics, part of Exact Sciences
Classification: Likely benign for PHF6-related condition. Last evaluated: 2022-11-23. Review status: no assertion criteria provided. Collection method: clinical testing. Allele origin: germline.
Comment: This variant is classified as likely benign based on ACMG/AMP sequence variant interpretation guidelines (Richards et al. 2015 PMID: 25741868, with internal and published modifications).